The following is an entry in ClinVar:

NM_015114.3(ANKLE2):c.485G>A (p.Gly162Asp)

Gene: ANKLE2 (ankyrin repeat and LEM domain containing 2; minus strand). Cytogenetic location: 12q24.33.
Variant type: single nucleotide variant.
Coding change: c.485G>A on transcript NM_015114.3 (MANE Select); coding-DNA position 485, G replaced by A.
Protein change: p.Gly162Asp; replaces glycine 162 with aspartic acid.
Molecular consequence: missense variant.
Genome position (GRCh38, 1-based): chr12:132,754,830, C>T on the plus strand (G>A on the coding strand, the complement: ANKLE2 is on the minus strand). VCF-style: chr12-132754830-C-T. GRCh37 (hg19) VCF-style: chr12-133331416-C-T.
Other names: short protein forms G162D.
Identifiers: ClinVar variation 2228460 (VCV002228460.2), dbSNP rs768387020, ClinGen allele CA6895969.

ClinVar aggregate classification (germline): Uncertain significance (1 of 4 stars; one submission).

Conditions:
Inborn genetic diseases. Identifiers: MedGen C0950123, MeSH D030342.

Allele frequency attached by ClinVar (database versions not stated): gnomAD exomes below 0.00001; gnomAD 0.00001; ExAC 0.00002; TOPMed 0.00003.
gnomAD v4.1: 6 of 1,614,010 alleles (0.00037%); highest among the groups gnomAD compares: Admixed American, 0.0083%; no homozygotes.

Submission:

Ambry Genetics
Classification: Uncertain significance for Inborn genetic diseases. Last evaluated: 2020-12-28. Review status: criteria provided, single submitter. Criteria: Ambry Variant Classification Scheme 2023. Collection method: clinical testing. Allele origin: germline.
Comment: The c.485G>A (p.G162D) alteration is located in exon 2 (coding exon 2) of the ANKLE2 gene. This alteration results from a G to A substitution at nucleotide position 485, causing the glycine (G) at amino acid position 162 to be replaced by an aspartic acid (D). The in silico prediction for the p.G162D alteration is inconclusive. Based on insufficient or conflicting evidence, the clinical significance of this alteration remains unclear.